The following is an entry in ClinVar:

ClinVar aggregate classification (germline): Conflicting classifications of pathogenicity. Review status: criteria provided, conflicting classifications (1 of 4 stars). 13 submissions from 12 submitters: Pathogenic (8); Likely pathogenic (3); Uncertain significance (1). 1 of the submissions does not count toward it. Last evaluated 2026-02-26.

Conditions:
SKIN/HAIR/EYE PIGMENTATION 3, LIGHT/DARK SKIN (SHEP3). Also called: SKIN/HAIR/EYE PIGMENTATION, VARIATION IN, 3; EYE COLOR 1; EYE COLOR, GREEN/BLUE; SKIN/HAIR/EYE PIGMENTATION 3, BLUE/GREEN EYE COLOR; SKIN/HAIR/EYE PIGMENTATION 3, FRECKLING. Identifiers: MedGen C2677190, OMIM 601800.
Oculocutaneous albinism type 1B (OCA1B). Also called: ALBINISM, YELLOW MUTANT TYPE; ALBINISM, OCULOCUTANEOUS, TYPE IB; YELLOW ALBINISM. Identifiers: Orphanet 352731, Orphanet 352737, Orphanet 79434, MedGen C1847024, MONDO:0011749, OMIM 606952.
Oculocutaneous albinism type 1A (OCA1A). Also called: Albinism, oculocutaneous, type IA. Identifiers: Orphanet 352731, Orphanet 79431, MedGen C4551504, MONDO:0008745, OMIM 203100. Disease mechanism: loss of function.
TYR-related disorder. Also called: TYR-related condition.

Allele frequency attached by ClinVar (database versions not stated): gnomAD 0.00003; ESP Exome Variant Server 0.00015; TOPMed 0.00021.
gnomAD v4.1: 157 of 1,612,782 alleles (0.0097%); highest among the groups gnomAD compares: South Asian, 0.03%; 1 homozygote.

Submissions (13):

PreventionGenetics, part of Exact Sciences
Classification: Likely pathogenic for TYR-related condition. Last evaluated: 2026-02-26. Review status: criteria provided, single submitter. Criteria: ACMG Guidelines, 2015. Collection method: clinical testing. Allele origin: germline.
Comment: The TYR c.1064C>T variant is predicted to result in the amino acid substitution p.Ala355Val. This variant has been reported, along with a second TYR variant, in multiple individuals with oculocutaneous albinism 1 (Simeonov et al. 2013. PubMed ID: 23504663; Table S5, Posey et al. 2016. PubMed ID: 27959697; Supplementary Table 1, Weisschuh et al. 2024. PubMed ID: 37734845; Mauri et al. 2016. PubMed ID: 27734839). This variant is reported in 0.029% of alleles in individuals of South Asian descent in gnomAD. This variant is interpreted as likely pathogenic.

Labcorp Genetics (formerly Invitae), Labcorp
Classification: Pathogenic. Last evaluated: 2026-01-17. Review status: criteria provided, single submitter. Criteria: Invitae Variant Classification Sherloc (09022015). Collection method: clinical testing. Allele origin: germline.
Comment: This sequence change replaces alanine, which is neutral and non-polar, with valine, which is neutral and non-polar, at codon 355 of the TYR protein (p.Ala355Val). This variant is present in population databases (rs151206295, gnomAD 0.03%). This missense change has been observed in individuals with oculocutaneous albinism type 1A (PMID: 23504663, 27734839, 27959697). ClinVar contains an entry for this variant (Variation ID: 212520). Invitae Evidence Modeling of protein sequence and biophysical properties (such as structural, functional, and spatial information, amino acid conservation, physicochemical variation, residue mobility, and thermodynamic stability) has been performed for this missense variant. However, the output from this modeling did not meet the statistical confidence thresholds required to predict the impact of this variant on TYR protein function. This variant disrupts the p.Ala355 amino acid residue in TYR. Other variant(s) that disrupt this residue have been determined to be pathogenic (PMID: 9259202, 10987646, 15146472). This suggests that this residue is clinically significant, and that variants that disrupt this residue are likely to be disease-causing. For these reasons, this variant has been classified as Pathogenic.

Otogenetics
Classification: Pathogenic for Oculocutaneous albinism type 1A; Oculocutaneous albinism type 1B. Last evaluated: 2025-12-23. Review status: criteria provided, single submitter. Criteria: ACMG Guidelines, 2015. Collection method: clinical testing. Allele origin: germline.
Comment: PM1: Non-truncating non-synonymous variant located in a well-established functional domain (copper-binding domain) of protein product (PMID: 39218412); PM2: Maximum gnomAD MAF of 0.0294% in South Asian (SAS) subpopulation (<0.127% threshold); PM3_Strong: Variant reported in homozygous state in two affected individuals and in trans with one pathogenic variants in one individuals affected with oculocutaneous albinism (PMID: 23504663, 27734839, 27959697); PM5: Pathogenic missense amino acid changes occur in same position: c.1063G>C p.Ala355Pro (PMID: 15146472); PP3: In-silico models predict deleterious effect (Revel = 0.73, BayesDel = 0.21)

Laboratory of Genetics, Children's Clinical University Hospital Latvia
Classification: Pathogenic. Last evaluated: 2025-02-16. Review status: criteria provided, single submitter. Criteria: ACMG Guidelines, 2015. Collection method: clinical testing. Allele origin: germline. Affected: yes.

Laboratory of Genetic Epidemiology, Research Centre for Medical Genetics
Classification: Uncertain significance for Oculocutaneous albinism type 1A; Oculocutaneous albinism type 1B. Last evaluated: 2025-01-01. Review status: criteria provided, single submitter. Criteria: ACMG Guidelines, 2015. Collection method: clinical testing. Allele origin: unknown. Inheritance: Autosomal recessive inheritance. Affected: yes. Observed: 1 heterozygote.
Comment: This variant has been previously reported in the literature (PMIDs: 27734839, 23504663, 27959697) and is listed in gnomAD v3.1.2 with allele frequency 0.0002 in Europe (18/67970, none in homozygous stage). The affected amino acid position is evolutionarily conserved, and multiple in silico prediction tools support a deleterious effect. Taken together, the variant meets the following ACMG/AMP criteria and can be classified as uncertain significance with PM2, PP3, PP5, PP4 criteria.

Blueprint Genetics
Classification: Pathogenic for TYR-related disorders. Last evaluated: 2024-09-11. Review status: criteria provided, single submitter. Criteria: ACMG Guidelines, 2015. Collection method: clinical testing. Allele origin: germline. Affected: yes. Observed: 5 variant alleles.

Fulgent Genetics
Classification: Likely pathogenic for Oculocutaneous albinism type 1A; SKIN/HAIR/EYE PIGMENTATION 3, LIGHT/DARK SKIN; Oculocutaneous albinism type 1B. Last evaluated: 2024-05-01. Review status: criteria provided, single submitter. Criteria: ACMG Guidelines, 2015. Collection method: clinical testing. Allele origin: germline.

Baylor Genetics
Classification: Pathogenic for SKIN/HAIR/EYE PIGMENTATION 3, LIGHT/DARK SKIN. Last evaluated: 2024-03-25. Review status: criteria provided, single submitter. Criteria: ACMG Guidelines, 2015. Collection method: clinical testing. Allele origin: unknown.

Genome-Nilou Lab
Classification: Likely pathogenic for Oculocutaneous albinism type 1A. Last evaluated: 2021-07-22. Review status: criteria provided, single submitter. Criteria: ACMG Guidelines, 2015. Collection method: clinical testing. Allele origin: germline. Affected: no.

Mendelics
Classification: Pathogenic for Oculocutaneous albinism type 1A. Last evaluated: 2019-05-28. Review status: criteria provided, single submitter. Criteria: Mendelics Assertion Criteria 2017. Collection method: clinical testing. Allele origin: unknown.

Genetic Services Laboratory, University of Chicago
Classification: Pathogenic for Albinism, oculocutaneous, type IA. Last evaluated: 2015-04-17. Review status: criteria provided, single submitter. Criteria: ACMG Guidelines, 2015. Collection method: clinical testing. Allele origin: germline. Affected: yes.

Hadassah Hebrew University Medical Center
Classification: Pathogenic for Oculocutaneous albinism type 1A; Oculocutaneous albinism type 1B. Review status: criteria provided, single submitter. Criteria: ACMG Guidelines, 2015. Collection method: research. Allele origin: germline. Affected: no. Observed: 2 variant alleles.

Baylor Genetics
Classification: Pathogenic for Oculocutaneous albinism type 1A. Last evaluated: 2014-11-12. Review status: no assertion criteria provided. Collection method: clinical testing. Allele origin: maternal, germline. Inheritance: Autosomal recessive inheritance. Affected: yes. Observed: 2 variant alleles, 1 heterozygote, 1 compound heterozygote. Not counted in ClinVar's aggregate classification.
Comment: Heterozygotes for this variant are expected to be asymptomatic carriers.

Literature cited by the submitters: PubMed 23504663 (cited by 4 submitters); PubMed 27734839 (cited by 3 submitters); PubMed 27959697 (cited by 3 submitters); PubMed 9259202 (cited by Labcorp Genetics (formerly Invitae), Labcorp); PubMed 10987646 (cited by Labcorp Genetics (formerly Invitae), Labcorp); PubMed 15146472 (cited by Labcorp Genetics (formerly Invitae), Labcorp and Otogenetics); PubMed 39218412 (cited by Otogenetics); PubMed 41428507 (cited by Laboratory of Genetic Epidemiology, Research Centre for Medical Genetics).

NM_000372.5(TYR):c.1064C>T (p.Ala355Val)

Gene: TYR (tyrosinase; plus strand). Cytogenetic location: 11q14.3.
Variant type: single nucleotide variant.
Coding change: c.1064C>T on transcript NM_000372.5 (MANE Select); coding-DNA position 1064, C replaced by T.
Protein change: p.Ala355Val; replaces alanine 355 with valine.
Molecular consequence: missense variant.
Genome position (GRCh38, 1-based): chr11:89,227,850, C>T. VCF-style: chr11-89227850-C-T. GRCh37 (hg19) VCF-style: chr11-88961018-C-T.
Other names: short protein forms A355V.
Identifiers: ClinVar variation 212520 (VCV000212520.30), dbSNP rs151206295, ClinGen allele CA277447.